The following is an entry in ClinVar:

ClinVar aggregate classification (germline): Benign. Review status: criteria provided, multiple submitters, no conflicts (2 of 4 stars). 2 submissions from 2 submitters: Benign (2). Last evaluated 2018-06-18.

Allele frequency attached by ClinVar (database versions not stated): TOPMed 0.47283; gnomAD 0.47295 and 0.48874; 1000 Genomes Project 30x 0.57870; 1000 Genomes Project 0.59165.
gnomAD v4.1: 74,326 of 151,966 alleles (49%); highest among the groups gnomAD compares: East Asian, 94%; 19,873 homozygotes.

Submissions (2):

GeneDx
Classification: Benign. Last evaluated: 2018-06-18. Review status: criteria provided, single submitter. Criteria: GeneDx Variant Classification (06012015). Collection method: clinical testing. Allele origin: germline. Affected: yes.
Comment: This variant is considered likely benign or benign based on one or more of the following criteria: it is a conservative change, it occurs at a poorly conserved position in the protein, it is predicted to be benign by multiple in silico algorithms, and/or has population frequency not consistent with disease.

Breakthrough Genomics
Classification: Benign. Review status: criteria provided, single submitter. Criteria: ACMG Guidelines, 2015. Collection method: not provided. Allele origin: germline. Inheritance: Autosomal recessive inheritance. Affected: yes.

NM_002206.3(ITGA7):c.3184-286T>A

Gene: ITGA7 (integrin subunit alpha 7; minus strand). Cytogenetic location: 12q13.2.
Variant type: single nucleotide variant.
Coding change: c.3184-286T>A on transcript NM_002206.3 (MANE Select); 286 bases into the intron before coding-DNA position 3184, T replaced by A.
Molecular consequence: intron variant.
Genome position (GRCh38, 1-based): chr12:55,685,574, A>T on the plus strand (T>A on the coding strand, the complement: ITGA7 is on the minus strand). VCF-style: chr12-55685574-A-T. GRCh37 (hg19) VCF-style: chr12-56079358-A-T.
Other names: c.2905-286T>A (NM_001144997.2); c.2857-286T>A (NM_001367993.1); c.2845-286T>A (NM_001414035.1); c.3001-286T>A (NM_001414033.1); c.1840-286T>A (NM_001367994.1); c.3064-286T>A (NM_001414032.1); c.3097-286T>A (NM_001414031.1); c.3166-286T>A (NM_001374465.1); and 5 more.
Identifiers: ClinVar variation 683647 (VCV000683647.2), dbSNP rs11171657, ClinGen allele CA13590053.